The following is an entry in ClinVar:

ClinVar aggregate classification (germline): Uncertain significance. Review status: criteria provided, multiple submitters, no conflicts (2 of 4 stars). 2 submissions from 2 submitters: Uncertain significance (2). Last evaluated 2024-01-22.

Conditions:
Inborn genetic diseases. Identifiers: MedGen C0950123, MeSH D030342.

gnomAD v4.1: 30 of 1,614,034 alleles (0.0019%); highest among the groups gnomAD compares: East Asian, 0.056%; no homozygotes.

Submissions (2):

Ambry Genetics
Classification: Uncertain significance for Inborn genetic diseases. Last evaluated: 2024-01-22. Review status: criteria provided, single submitter. Criteria: Ambry Variant Classification Scheme 2023. Collection method: clinical testing. Allele origin: germline.

Labcorp Genetics (formerly Invitae), Labcorp
Classification: Uncertain significance. Last evaluated: 2023-12-11. Review status: criteria provided, single submitter. Criteria: Invitae Variant Classification Sherloc (09022015). Collection method: clinical testing. Allele origin: germline.
Comment: This sequence change replaces arginine, which is basic and polar, with leucine, which is neutral and non-polar, at codon 346 of the CCBE1 protein (p.Arg346Leu). This variant is present in population databases (rs768229052, gnomAD 0.1%). This variant has not been reported in the literature in individuals affected with CCBE1-related conditions. ClinVar contains an entry for this variant (Variation ID: 1364974). Advanced modeling of protein sequence and biophysical properties (such as structural, functional, and spatial information, amino acid conservation, physicochemical variation, residue mobility, and thermodynamic stability) performed at Invitae indicates that this missense variant is expected to disrupt CCBE1 protein function with a positive predictive value of 80%. In summary, the available evidence is currently insufficient to determine the role of this variant in disease. Therefore, it has been classified as a Variant of Uncertain Significance.

NM_133459.4(CCBE1):c.1037G>T (p.Arg346Leu)

Gene: CCBE1 (collagen and calcium binding EGF domains 1; minus strand). Cytogenetic location: 18q21.32.
Variant type: single nucleotide variant.
Coding change: c.1037G>T on transcript NM_133459.4 (MANE Select); coding-DNA position 1037, G replaced by T.
Protein change: p.Arg346Leu; replaces arginine 346 with leucine.
Molecular consequence: missense variant.
Genome position (GRCh38, 1-based): chr18:59,436,092, C>A on the plus strand (G>T on the coding strand, the complement: CCBE1 is on the minus strand). VCF-style: chr18-59436092-C-A. GRCh37 (hg19) VCF-style: chr18-57103324-C-A.
Other names: c.1037G>T (NM_133459.3); short protein forms R346L.
Identifiers: ClinVar variation 1364974 (VCV001364974.8), dbSNP rs768229052, ClinGen allele CA8980195.